The following is an entry in ClinVar:

NM_000404.4(GLB1):c.51dup (p.Leu18fs)

Genes: GLB1 (galactosidase beta 1; minus strand), TMPPE (transmembrane protein with metallophosphoesterase domain; minus strand), LOC129936434 (ATAC-STARR-seq lymphoblastoid silent region 14182; plus strand). Cytogenetic location: 3p22.3.
Variant type: Duplication.
Coding change: c.51dup on transcript NM_000404.4 (MANE Select); coding-DNA position 51, one base duplicated (T; older notation c.51dupT).
Protein change: p.Leu18fs; shifts the reading frame from leucine 18.
Molecular consequence: frameshift variant. On other transcripts: 5 prime UTR variant (2).
Genome position (GRCh38, 1-based): chr3:33,097,035, A duplicated on the plus strand (T on the coding strand, the reverse complement: GLB1 is on the minus strand); the first of 2 consecutive A bases (chr3:33,097,035-33,097,036); duplicating either gives the same sequence. VCF-style (leftmost placement, unchanged base first): chr3-33097034-G-GA. GRCh37 (hg19) VCF-style: chr3-33138526-G-GA.
Other names: c.51dup, p.Leu18fs (NM_001135602.3, NM_001317040.2, NM_001393580.1); c.-425dup (NM_001039770.3); c.-321dup (NM_001136238.2); short protein forms L18fs.
Identifiers: ClinVar variation 92911 (VCV000092911.12), dbSNP rs398123356, ClinGen allele CA200307.

ClinVar aggregate classification (germline): Pathogenic. Review status: criteria provided, multiple submitters, no conflicts (2 of 4 stars). 2 submissions from 2 submitters: Pathogenic (2). Last evaluated 2021-10-03.

Conditions:
Mucopolysaccharidosis, MPS-IV-B (MPS4B). Also called: Mucopolysaccharidosis Type IVB (Morquio B Disease); Mucopolysaccharidosis type 4B; Mucopolysaccharidosis type IVB (Morquio); MPS IVB; Mucopolysaccharidosis type IV B; MORQUIO SYNDROME B. Identifiers: Orphanet 309310, Orphanet 582, MedGen C0086652, MONDO:0009660, OMIM 253010.
GM1 gangliosidosis. Identifiers: Orphanet 354, MedGen C0085131, MONDO:0018149.

Submissions (2):

Labcorp Genetics (formerly Invitae), Labcorp
Classification: Pathogenic for Mucopolysaccharidosis, MPS-IV-B; GM1 gangliosidosis. Last evaluated: 2021-10-03. Review status: criteria provided, single submitter. Criteria: Invitae Variant Classification Sherloc (09022015). Collection method: clinical testing. Allele origin: germline.
Comment: For these reasons, this variant has been classified as Pathogenic. ClinVar contains an entry for this variant (Variation ID: 92911). This premature translational stop signal has been observed in individual(s) with GM1 gangliosidosis (PMID: 26646981). This variant is present in population databases (rs398123356, ExAC 0.01%). This sequence change creates a premature translational stop signal (p.Leu18Serfs*16) in the GLB1 gene. It is expected to result in an absent or disrupted protein product. Loss-of-function variants in GLB1 are known to be pathogenic (PMID: 18524657).

Eurofins Ntd Llc (ga)
Classification: Pathogenic. Last evaluated: 2013-09-13. Review status: criteria provided, single submitter. Criteria: EGL Classification Definitions. Collection method: clinical testing. Allele origin: germline. Observed: 2 variant alleles, 2 heterozygotes.

Literature cited by the submitters: PubMed 26646981 (cited by Labcorp Genetics (formerly Invitae), Labcorp); PubMed 18524657 (cited by Labcorp Genetics (formerly Invitae), Labcorp); PubMed 23757202 (cited by Eurofins Ntd Llc (ga)).